The following is an entry in ClinVar:

ClinVar aggregate classification (germline): Conflicting classifications of pathogenicity. Review status: criteria provided, conflicting classifications (1 of 4 stars). 6 submissions from 6 submitters: Uncertain significance (5); Likely benign (1). Last evaluated 2026-04-08.

Conditions:
POT1-related disorder. Also called: POT1-related condition.
Tumor predisposition syndrome 3 (TPDS3). Also called: LONG TELOMERE SYNDROME, POT1-RELATED; POT1 Tumor Predisposition; Melanoma, cutaneous malignant, susceptibility to, 10; Glioma susceptibility 9. Identifiers: Orphanet 618, MedGen C4014476, MONDO:0014368, OMIM 615848.
Cerebroretinal microangiopathy with calcifications and cysts 3 (CRMCC3). Identifiers: MedGen C5830497, MONDO:0957264, OMIM 620368.
Pulmonary fibrosis and/or bone marrow failure syndrome, telomere-related, 8 (PFBMFT8). Identifiers: MedGen C5830496, MONDO:0957263, OMIM 620367.
Hereditary cancer-predisposing syndrome. Also called: Neoplastic Syndromes, Hereditary; Hereditary Cancer Syndrome; Tumor predisposition; Hereditary neoplastic syndrome. Identifiers: Orphanet 140162, MedGen C0027672, MeSH D009386, MONDO:0015356.

Allele frequency attached by ClinVar (database versions not stated): gnomAD 0.00003; TOPMed 0.00003.
gnomAD v4.1: 30 of 1,613,786 alleles (0.0019%); highest among the groups gnomAD compares: African/African-American, 0.0027%; no homozygotes.

Submissions (6):

PreventionGenetics, part of Exact Sciences
Classification: Uncertain significance for POT1-related condition. Last evaluated: 2026-04-08. Review status: criteria provided, single submitter. Criteria: ACMG Guidelines, 2015. Collection method: clinical testing. Allele origin: germline.
Comment: The POT1 c.1490C>A variant is predicted to result in the amino acid substitution p.Thr497Lys. This variant was reported in an individual with breast angiosarcoma from a family with Li-Fraumeni-like syndrome (Calvete et al. 2017. PubMed ID: 28853721). This variant is reported in 0.0023% of alleles in individuals of European (Non-Finnish) descent in gnomAD and has conflicting interpretations in ClinVar ranging from likely benign to uncertain significance (Variation ID: 819368). At this time, the clinical significance of this variant is uncertain due to the absence of conclusive functional and genetic evidence.

Labcorp Genetics (formerly Invitae), Labcorp
Classification: Uncertain significance for Tumor predisposition syndrome 3. Last evaluated: 2026-01-13. Review status: criteria provided, single submitter. Criteria: Invitae Variant Classification Sherloc (09022015). Collection method: clinical testing. Allele origin: germline.
Comment: This sequence change replaces threonine, which is neutral and polar, with lysine, which is basic and polar, at codon 497 of the POT1 protein (p.Thr497Lys). This variant is present in population databases (no rsID available, gnomAD 0.002%). This missense change has been observed in individual(s) with angiosarcoma (PMID: 28853721). ClinVar contains an entry for this variant (Variation ID: 819368). Invitae Evidence Modeling of protein sequence and biophysical properties (such as structural, functional, and spatial information, amino acid conservation, physicochemical variation, residue mobility, and thermodynamic stability) indicates that this missense variant is not expected to disrupt POT1 protein function with a negative predictive value of 80%. In summary, the available evidence is currently insufficient to determine the role of this variant in disease. Therefore, it has been classified as a Variant of Uncertain Significance.

Center for Genomic Medicine, Rigshospitalet, Copenhagen University Hospital
Classification: Uncertain significance. Last evaluated: 2025-03-04. Review status: criteria provided, single submitter. Criteria: ACMG Guidelines, 2015. Collection method: clinical testing. Allele origin: germline.
Comment: Classification criteria: BP4_Moderate

Fulgent Genetics
Classification: Uncertain significance for Tumor predisposition syndrome 3; Pulmonary fibrosis and/or bone marrow failure syndrome, telomere-related, 8; Cerebroretinal microangiopathy with calcifications and cysts 3. Last evaluated: 2024-04-22. Review status: criteria provided, single submitter. Criteria: ACMG Guidelines, 2015. Collection method: clinical testing. Allele origin: germline.

GeneDx
Classification: Uncertain significance. Last evaluated: 2023-06-14. Review status: criteria provided, single submitter. Criteria: GeneDx Variant Classification Process June 2021. Collection method: clinical testing. Allele origin: germline. Affected: yes.
Comment: Not observed at significant frequency in large population cohorts (gnomAD); In silico analysis supports that this missense variant does not alter protein structure/function; Observed in an individual with breast angiosarcoma (Calvete et al., 2017); This variant is associated with the following publications: (PMID: 28853721)

Ambry Genetics
Classification: Likely benign for Hereditary cancer-predisposing syndrome. Last evaluated: 2017-09-22. Review status: criteria provided, single submitter. Criteria: Ambry Variant Classification Scheme 2023. Collection method: clinical testing. Allele origin: germline.

Literature cited by the submitters: PubMed 28853721 (cited by Labcorp Genetics (formerly Invitae), Labcorp).

NM_015450.3(POT1):c.1490C>A (p.Thr497Lys)

Gene: POT1 (protection of telomeres 1; minus strand). Cytogenetic location: 7q31.33.
Variant type: single nucleotide variant.
Coding change: c.1490C>A on transcript NM_015450.3 (MANE Select); coding-DNA position 1490, C replaced by A.
Protein change: p.Thr497Lys; replaces threonine 497 with lysine.
Molecular consequence: missense variant. On other transcripts: non-coding transcript variant (3).
Genome position (GRCh38, 1-based): chr7:124,835,294, G>T on the plus strand (C>A on the coding strand, the complement: POT1 is on the minus strand). VCF-style: chr7-124835294-G-T. GRCh37 (hg19) VCF-style: chr7-124475348-G-T.
Other names: c.1097C>A, p.Thr366Lys (NM_001042594.2); short protein forms T497K, T366K.
Identifiers: ClinVar variation 819368 (VCV000819368.16), dbSNP rs879897044, ClinGen allele CA166100586.